The following is an entry in ClinVar:

NM_000222.3(KIT):c.1232-1G>A

Gene: KIT (KIT proto-oncogene, receptor tyrosine kinase; plus strand). Cytogenetic location: 4q12.
Variant type: single nucleotide variant.
Coding change: c.1232-1G>A on transcript NM_000222.3 (MANE Select); the canonical splice acceptor site of the intron before coding-DNA position 1232, G replaced by A.
Molecular consequence: splice acceptor variant.
Genome position (GRCh38, 1-based): chr4:54,723,583, G>A. VCF-style: chr4-54723583-G-A. GRCh37 (hg19) VCF-style: chr4-55589749-G-A.
Other names: c.1232-1G>A (NM_001385285.1, NM_001093772.2, NM_001385286.1); c.1235-1G>A (NM_001385284.1, NM_001385290.1, NM_001385288.1 and 1 more transcripts).
Identifiers: ClinVar variation 1067561 (VCV001067561.7), dbSNP rs55737343, ClinGen allele CA96872693.

ClinVar aggregate classification (germline): Likely pathogenic (1 of 4 stars; one submission).

Conditions:
Gastrointestinal stromal tumor. Also called: Gastrointestinal stromal tumor, somatic; Gastrointestinal stroma tumor. Identifiers: Orphanet 44890, MedGen C0238198, MeSH D046152, MONDO:0011719, OMIM 606764, HP:0100723.

Submission:

Labcorp Genetics (formerly Invitae), Labcorp
Classification: Likely pathogenic for Gastrointestinal stromal tumor. Last evaluated: 2024-04-05. Review status: criteria provided, single submitter. Criteria: Invitae Variant Classification Sherloc (09022015). Collection method: clinical testing. Allele origin: germline.
Comment: This sequence change affects an acceptor splice site in intron 7 of the KIT gene. It is expected to disrupt RNA splicing. Variants that disrupt the donor or acceptor splice site typically lead to a loss of protein function (PMID: 16199547), and loss-of-function variants in KIT are known to be pathogenic (PMID: 15194144). This variant is not present in population databases (gnomAD no frequency). This variant has not been reported in the literature in individuals affected with KIT-related conditions. ClinVar contains an entry for this variant (Variation ID: 1067561). Algorithms developed to predict the effect of sequence changes on RNA splicing suggest that this variant may disrupt the consensus splice site. In summary, the currently available evidence indicates that the variant is pathogenic, but additional data are needed to prove that conclusively. Therefore, this variant has been classified as Likely Pathogenic.

Literature cited by the submitters: PubMed 16199547; PubMed 15194144.